The following is an entry in ClinVar:

ClinVar aggregate classification (germline): Uncertain significance. Review status: criteria provided, multiple submitters, no conflicts (2 of 4 stars). 2 submissions from 2 submitters: Uncertain significance (2). Last evaluated 2025-06-17.

Conditions:
Inborn genetic diseases. Identifiers: MedGen C0950123, MeSH D030342.

Allele frequency attached by ClinVar (database versions not stated): gnomAD 0.00001; ExAC 0.00001; TOPMed 0.00002; 1000 Genomes Project 30x 0.00016; 1000 Genomes Project 0.00020.
gnomAD v4.1: 10 of 1,612,398 alleles (0.00062%); highest among the groups gnomAD compares: African/African-American, 0.0067%; no homozygotes.

Submissions (2):

Ambry Genetics
Classification: Uncertain significance for Inborn genetic diseases. Last evaluated: 2025-06-17. Review status: criteria provided, single submitter. Criteria: Ambry Variant Classification Scheme 2023. Collection method: clinical testing. Allele origin: germline.

Labcorp Genetics (formerly Invitae), Labcorp
Classification: Uncertain significance. Last evaluated: 2025-05-15. Review status: criteria provided, single submitter. Criteria: Invitae Variant Classification Sherloc (09022015). Collection method: clinical testing. Allele origin: germline.
Comment: This sequence change replaces proline, which is neutral and non-polar, with serine, which is neutral and polar, at codon 696 of the NRIP1 protein (p.Pro696Ser). This variant is present in population databases (rs558689511, gnomAD 0.01%). This variant has not been reported in the literature in individuals affected with NRIP1-related conditions. ClinVar contains an entry for this variant (Variation ID: 1959469). An algorithm developed to predict the effect of missense changes on protein structure and function outputs the following: PolyPhen-2: "Benign". The serine amino acid residue is found in multiple mammalian species, which suggests that this missense change does not adversely affect protein function. In summary, the available evidence is currently insufficient to determine the role of this variant in disease. Therefore, it has been classified as a Variant of Uncertain Significance.

NM_003489.4(NRIP1):c.2086C>T (p.Pro696Ser)

Gene: NRIP1 (nuclear receptor interacting protein 1; minus strand). Cytogenetic location: 21q11.2.
Variant type: single nucleotide variant.
Coding change: c.2086C>T on transcript NM_003489.4 (MANE Select); coding-DNA position 2086, C replaced by T.
Protein change: p.Pro696Ser; replaces proline 696 with serine.
Molecular consequence: missense variant.
Genome position (GRCh38, 1-based): chr21:14,966,107, G>A on the plus strand (C>T on the coding strand, the complement: NRIP1 is on the minus strand). VCF-style: chr21-14966107-G-A. GRCh37 (hg19) VCF-style: chr21-16338428-G-A.
Other names: c.2086C>T (NM_003489.3); short protein forms P696S.
Identifiers: ClinVar variation 1959469 (VCV001959469.6), dbSNP rs558689511, ClinGen allele CA9981217.